The following is an entry in ClinVar:

NM_018699.4(PRDM5):c.1031A>C (p.Glu344Ala)

Gene: PRDM5 (PR/SET domain 5; minus strand). Cytogenetic location: 4q27.
Variant type: single nucleotide variant.
Coding change: c.1031A>C on transcript NM_018699.4 (MANE Select); coding-DNA position 1031, A replaced by C.
Protein change: p.Glu344Ala; replaces glutamic acid 344 with alanine.
Molecular consequence: missense variant.
Genome position (GRCh38, 1-based): chr4:120,798,424, T>G on the plus strand (A>C on the coding strand, the complement: PRDM5 is on the minus strand). VCF-style: chr4-120798424-T-G. GRCh37 (hg19) VCF-style: chr4-121719579-T-G.
Other names: c.938A>C, p.Glu313Ala (NM_001300823.2, NM_001300824.2, NM_001379106.1); c.1064A>C, p.Glu355Ala (NM_001379104.1); short protein forms E313A, E344A, E355A.
Identifiers: ClinVar variation 4862485 (VCV004862485.1).

ClinVar aggregate classification (germline): Uncertain significance (1 of 4 stars; one submission).

Conditions:
Cardiovascular phenotype. Identifiers: MedGen CN230736.

Submission:

Ambry Genetics
Classification: Uncertain significance for Cardiovascular phenotype. Last evaluated: 2026-04-23. Review status: criteria provided, single submitter. Criteria: Ambry Variant Classification Scheme 2023. Collection method: clinical testing. Allele origin: germline.
Comment: The p.E344A variant (also known as c.1031A>C) is located in coding exon 10 of the PRDM5 gene. The glutamic acid at codon 344 is replaced by alanine, an amino acid with dissimilar properties. This change occurs in the first base pair of coding exon 10. This amino acid position is conserved. In addition, the in silico prediction for this alteration is inconclusive. Based on the available evidence, the clinical significance of this variant remains unclear.